The following is an entry in ClinVar:

NM_022765.4(MICAL1):c.1851C>A (p.Ser617Arg)

Gene: MICAL1 (microtubule associated monooxygenase, calponin and LIM domain containing 1; minus strand). Cytogenetic location: 6q21.
Variant type: single nucleotide variant.
Coding change: c.1851C>A on transcript NM_022765.4 (MANE Select); coding-DNA position 1851, C replaced by A.
Protein change: p.Ser617Arg; replaces serine 617 with arginine.
Molecular consequence: missense variant.
Genome position (GRCh38, 1-based): chr6:109,448,207, G>T on the plus strand (C>A on the coding strand, the complement: MICAL1 is on the minus strand). VCF-style: chr6-109448207-G-T. GRCh37 (hg19) VCF-style: chr6-109769410-G-T.
Other names: c.1593C>A, p.Ser531Arg (NM_001159291.2); c.1908C>A, p.Ser636Arg (NM_001286613.2); short protein forms S531R, S617R, S636R.
Identifiers: ClinVar variation 1954919 (VCV001954919.5), dbSNP rs1444872378, ClinGen allele CA365226982.

ClinVar aggregate classification (germline): Uncertain significance (1 of 4 stars; one submission).

Allele frequency attached by ClinVar (database versions not stated): TOPMed below 0.00001; gnomAD 0.00001.
gnomAD v4.1: 1 of 1,608,986 alleles (0.000062%); highest among the groups gnomAD compares: Non-Finnish European, 0.000085%; no homozygotes.

Submission:

Labcorp Genetics (formerly Invitae), Labcorp
Classification: Uncertain significance. Last evaluated: 2022-08-23. Review status: criteria provided, single submitter. Criteria: Invitae Variant Classification Sherloc (09022015). Collection method: clinical testing. Allele origin: germline.
Comment: In summary, the available evidence is currently insufficient to determine the role of this variant in disease. Therefore, it has been classified as a Variant of Uncertain Significance. Algorithms developed to predict the effect of missense changes on protein structure and function output the following: SIFT: "Tolerated"; PolyPhen-2: "Benign"; Align-GVGD: "Class C0". The arginine amino acid residue is found in multiple mammalian species, which suggests that this missense change does not adversely affect protein function. This variant has not been reported in the literature in individuals affected with MICAL1-related conditions. This variant is not present in population databases (gnomAD no frequency). This sequence change replaces serine, which is neutral and polar, with arginine, which is basic and polar, at codon 636 of the MICAL1 protein (p.Ser636Arg).